The following is an entry in ClinVar:

NM_000284.4(PDHA1):c.929_932del (p.Val310fs)

Gene: PDHA1 (pyruvate dehydrogenase E1 subunit alpha 1; plus strand). Cytogenetic location: Xp22.12.
Variant type: Deletion.
Coding change: c.929_932del on transcript NM_000284.4 (MANE Select); coding-DNA positions 929 to 932, 4 bases deleted (TAAG; older notation c.929_932delTAAG).
Protein change: p.Val310fs; shifts the reading frame from valine 310.
Molecular consequence: frameshift variant.
Genome position (GRCh38, 1-based): chrX:19,358,945-19,358,948, TAAG deleted; deleting any 4 consecutive bases within chrX:19,358,942-19,358,948 gives the same sequence; the c. name uses the placement nearest the transcript's 3' end. VCF-style (leftmost placement, unchanged base first): chrX-19358941-GAAGT-G. GRCh37 (hg19) VCF-style: chrX-19377059-GAAGT-G.
Other names: c.929_932delTAAG (NM_000284.3); c.929_932del (NM_000284.3); c.1043_1046del, p.Val348fs (NM_001173454.2); c.950_953del, p.Val317fs (NM_001173455.2); c.836_839del, p.Val279fs (NM_001173456.2); short protein forms V279fs, V317fs, V348fs, V310fs.
Identifiers: ClinVar variation 503637 (VCV000503637.3), dbSNP rs1555935216, ClinGen allele CA658799595.

ClinVar aggregate classification (germline): Pathogenic. Review status: criteria provided, single submitter (1 of 4 stars). 2 submissions from 2 submitters: Pathogenic (1). 1 of the submissions does not count toward it. Last evaluated 2017-12-06.

Conditions:
Pyruvate dehydrogenase E1-alpha deficiency (PDHAD). Also called: ATAXIA, INTERMITTENT, WITH PYRUVATE DEHYDROGENASE DEFICIENCY; ATAXIA WITH LACTIC ACIDOSIS I; ATAXIA, INTERMITTENT, WITH ABNORMAL PYRUVATE METABOLISM; Ataxia, intermittent, with pyruvate dehydrogenase, or decarboxylase, deficiency. Identifiers: Orphanet 79243, MedGen C1839413, MONDO:0010717, OMIM 312170.

Submissions (2):

GeneDx
Classification: Pathogenic. Last evaluated: 2017-12-06. Review status: criteria provided, single submitter. Criteria: GeneDx Variant Classification (06012015). Collection method: clinical testing. Allele origin: germline. Affected: yes.
Comment: The c.929_932delTAAG variant in the PDHA1 gene has not been reported previously as a pathogenic variant nor as a benign variant, to our knowledge. The c.929_932delTAAG variant causes a frameshift starting with codon Valine 310, changes this amino acid to a Glutamic acid residue, and creates a premature Stop codon at position 15 of the new reading frame, denoted p.Val310GlufsX15. This variant is predicted to cause loss of normal protein function through protein truncation. The c.929_932delTAAG variant is not observed in large population cohorts (Lek et al., 2016). We interpret c.929_932delTAAG as a pathogenic variant.

PDHA1 Study Group, University Children’s Hospital, Paracelsus Medical University
Classification: Pathogenic for Pyruvate dehydrogenase E1-alpha deficiency. Last evaluated: 2024-10-15. Review status: no assertion criteria provided. Collection method: research. Allele origin: germline. Affected: yes. Observed: 1 variant allele. Not counted in ClinVar's aggregate classification.
Comment: The NM_000284.3:c.929_932del (p.Val310GlufsTer15) change is a frameshift variant in PDHA1 gene. This variant is predicted to result in nonsense-mediated decay (NMD). The variant has been reported in 1 published case (PMIDs: 24718837). Last literature search: July 12, 2024. This variant is absent or extremely rare in population-based cohorts in the Genome Aggregation Database (gnomAD). Individuals harboring this variant presented with clinical features compatible with PDHA1-related PDHc deficiency. In summary, this variant meets criteria to be classified as pathogenic (P) for PDHA1-related PDHc deficiency based on the ACMG/AMP criteria applied: PVS1, PS3, PM2, PM7 (last assessment October 15, 2024).

Literature cited by the submitters: PubMed 24718837 (cited by PDHA1 Study Group, University Children’s Hospital, Paracelsus Medical University); DOI 10.1093/brain/awaf430 (cited by PDHA1 Study Group, University Children’s Hospital, Paracelsus Medical University).